The following is an entry in ClinVar:

NM_014915.3(ANKRD26):c.361G>A (p.Val121Ile)

Gene: ANKRD26 (ankyrin repeat domain containing 26; minus strand). Cytogenetic location: 10p12.1.
Variant type: single nucleotide variant.
Coding change: c.361G>A on transcript NM_014915.3 (MANE Select); coding-DNA position 361, G replaced by A.
Protein change: p.Val121Ile; replaces valine 121 with isoleucine.
Molecular consequence: missense variant.
Genome position (GRCh38, 1-based): chr10:27,093,519, C>T on the plus strand (G>A on the coding strand, the complement: ANKRD26 is on the minus strand). VCF-style: chr10-27093519-C-T. GRCh37 (hg19) VCF-style: chr10-27382448-C-T.
Other names: c.361G>A, p.Val121Ile (NM_001256053.2); short protein forms V121I.
Identifiers: ClinVar variation 3869505 (VCV003869505.1).

ClinVar aggregate classification (germline): Uncertain significance (1 of 4 stars; one submission).

Conditions:
Inborn genetic diseases. Identifiers: MedGen C0950123, MeSH D030342.

gnomAD v4.1: 1 of 1,614,112 alleles (0.000062%); highest among the groups gnomAD compares: Admixed American, 0.0017%; no homozygotes.

Submission:

Ambry Genetics
Classification: Uncertain significance for Inborn genetic diseases. Last evaluated: 2024-12-20. Review status: criteria provided, single submitter. Criteria: Ambry Variant Classification Scheme 2023. Collection method: clinical testing. Allele origin: germline.
Comment: The p.V121I variant (also known as c.361G>A), located in coding exon 3 of the ANKRD26 gene, results from a G to A substitution at nucleotide position 361. The valine at codon 121 is replaced by isoleucine, an amino acid with highly similar properties. This amino acid position is conserved. In addition, this alteration is predicted to be tolerated by in silico analysis. Based on the available evidence, the clinical significance of this variant remains unclear.